The following is an entry in ClinVar:

NM_000275.3(OCA2):c.2049_2050insC (p.Phe684fs)

Gene: OCA2 (OCA2 melanosomal transmembrane protein; minus strand). Cytogenetic location: 15q13.1.
Variant type: Insertion.
Coding change: c.2049_2050insC on transcript NM_000275.3 (MANE Select); coding-DNA positions 2049 to 2050, C inserted.
Protein change: p.Phe684fs; shifts the reading frame from phenylalanine 684.
Molecular consequence: frameshift variant.
Genome position: GRCh38 VCF-style: chr15-27926156-A-AG. GRCh37 (hg19) VCF-style: chr15-28171302-A-AG.
Other names: c.1977_1978insC, p.Phe660fs (NM_001300984.2); short protein forms F660fs, F684fs.
Identifiers: ClinVar variation 2995425 (VCV002995425.4), dbSNP rs760854665, ClinGen allele CA7438787.

ClinVar aggregate classification (germline): Pathogenic. Review status: criteria provided, multiple submitters, no conflicts (2 of 4 stars). 2 submissions from 2 submitters: Pathogenic (2). Last evaluated 2025-10-13.

Conditions:
Tyrosinase-positive oculocutaneous albinism (OCA2). Also called: Albinism, oculocutaneous, type II; Oculocutaneous albinism type 2; ALBINISM II. Identifiers: Orphanet 79432, MedGen C0268495, MONDO:0008746, OMIM 203200.

Allele frequency attached by ClinVar (database versions not stated): gnomAD exomes below 0.00001; gnomAD 0.00001; TOPMed 0.00001; ExAC 0.00002.

Submissions (2):

Myriad Genetics, Inc.
Classification: Pathogenic for Tyrosinase-positive oculocutaneous albinism. Last evaluated: 2025-10-13. Review status: criteria provided, single submitter. Criteria: Myriad Autosomal Dominant, Autosomal Recessive and X-Linked Classification Criteria (2023). Collection method: clinical testing. Allele origin: unknown.
Comment: NM_000275.2(OCA2):c.2049_2050insC(F684Lfs*57) is a frameshift variant classified as pathogenic in the context of oculocutaneous albinism, OCA2-related. F684Lfs*57 has not been observed in cases with relevant disease. Relevant functional assessments of this variant are not available in the literature. F684Lfs*57 has been observed in referenced population frequency databases. In summary, NM_000275.2(OCA2):c.2049_2050insC(F684Lfs*57) is a frameshift variant in a gene where loss of function is a known mechanism of disease and is predicted to disrupt protein function. Please note: this variant was assessed in the context of healthy population screening.

Labcorp Genetics (formerly Invitae), Labcorp
Classification: Pathogenic. Last evaluated: 2023-06-01. Review status: criteria provided, single submitter. Criteria: Invitae Variant Classification Sherloc (09022015). Collection method: clinical testing. Allele origin: germline.
Comment: This variant is present in population databases (rs760854665, gnomAD 0.006%). For these reasons, this variant has been classified as Pathogenic. This variant has not been reported in the literature in individuals affected with OCA2-related conditions. This sequence change creates a premature translational stop signal (p.Phe684Leufs*57) in the OCA2 gene. It is expected to result in an absent or disrupted protein product. Loss-of-function variants in OCA2 are known to be pathogenic (PMID: 19865097, 21541274).

Literature cited by the submitters: PubMed 19865097 (cited by Labcorp Genetics (formerly Invitae), Labcorp); PubMed 21541274 (cited by Labcorp Genetics (formerly Invitae), Labcorp).